The following is an entry in ClinVar:

ClinVar aggregate classification (germline): Uncertain significance (1 of 4 stars; one submission).

gnomAD v4.1: 14 of 1,586,592 alleles (0.00088%); highest among the groups gnomAD compares: South Asian, 0.0069%; no homozygotes.

Submission:

Labcorp Genetics (formerly Invitae), Labcorp
Classification: Uncertain significance. Last evaluated: 2025-03-31. Review status: criteria provided, single submitter. Criteria: Invitae Variant Classification Sherloc (09022015). Collection method: clinical testing. Allele origin: germline.
Comment: This sequence change replaces serine, which is neutral and polar, with glycine, which is neutral and non-polar, at codon 6 of the PROSC protein (p.Ser6Gly). The frequency data for this variant in the population databases is considered unreliable, as metrics indicate poor data quality at this position in the gnomAD database. This variant has not been reported in the literature in individuals affected with PROSC-related conditions. ClinVar contains an entry for this variant (Variation ID: 2072852). An algorithm developed to predict the effect of missense changes on protein structure and function outputs the following: PolyPhen-2: "Benign". The glycine amino acid residue is found in multiple mammalian species, which suggests that this missense change does not adversely affect protein function. In summary, the available evidence is currently insufficient to determine the role of this variant in disease. Therefore, it has been classified as a Variant of Uncertain Significance.

NM_007198.4(PLPBP):c.16A>G (p.Ser6Gly)

Genes: PLPBP (pyridoxal phosphate binding protein; plus strand), LOC113788277 (Sharpr-MPRA regulatory region 13802; plus strand). Cytogenetic location: 8p11.23.
Variant type: single nucleotide variant.
Coding change: c.16A>G on transcript NM_007198.4 (MANE Select); coding-DNA position 16, A replaced by G.
Protein change: p.Ser6Gly; replaces serine 6 with glycine.
Molecular consequence: missense variant. On other transcripts: 5 prime UTR variant (1).
Genome position (GRCh38, 1-based): chr8:37,762,675, A>G. VCF-style: chr8-37762675-A-G. GRCh37 (hg19) VCF-style: chr8-37620193-A-G.
Other names: c.16A>G, p.Ser6Gly (NM_001349346.2, NM_001349347.2); c.-83A>G (NM_001349348.2); c.121A>G, p.Ser41Gly (NM_001349349.1); short protein forms S41G, S6G.
Identifiers: ClinVar variation 2072852 (VCV002072852.4), dbSNP rs568414778, ClinGen allele CA4711086.